The following is an entry in ClinVar:

NC_000003.12:g.169764664C>G

Gene: TERC (telomerase RNA component; minus strand). Cytogenetic location: 3q26.2.
Variant type: single nucleotide variant.
Genome position: GRCh38 VCF-style: chr3-169764664-C-G. GRCh37 (hg19) VCF-style: chr3-169482452-C-G.
Identifiers: ClinVar variation 1018571 (VCV001018571.8), dbSNP rs767519425, ClinGen allele CA2696789.

ClinVar aggregate classification (germline): Uncertain significance (1 of 4 stars; one submission).

Conditions:
Dyskeratosis congenita, autosomal dominant 1 (DKCA1). Also called: Dyskeratosis congenita Scoggins type. Identifiers: Orphanet 1775, MedGen C4551974, MONDO:0007485, OMIM 127550. Inheritance: Variable.

gnomAD v4.1: 4 of 751,568 alleles (0.00053%); highest among the groups gnomAD compares: Non-Finnish European, 0.00098%; no homozygotes.

Submission:

Labcorp Genetics (formerly Invitae), Labcorp
Classification: Uncertain significance for Dyskeratosis congenita, autosomal dominant 1. Last evaluated: 2023-08-24. Review status: criteria provided, single submitter. Criteria: Invitae Variant Classification Sherloc (09022015). Collection method: clinical testing. Allele origin: germline.
Comment: ClinVar contains an entry for this variant (Variation ID: 1018571). This variant has not been reported in the literature in individuals affected with TERC-related conditions. This variant is present in population databases (rs767519425, gnomAD 0.002%). This variant occurs in the TERC gene, which encodes an RNA molecule that does not result in a protein product. In summary, the available evidence is currently insufficient to determine the role of this variant in disease. Therefore, it has been classified as a Variant of Uncertain Significance. This variant is located within the BoxH/ACA scaRNA domain of the TERC RNA component, which is required for telomerase activity (PMID: 21844345).

Literature cited by the submitters: PubMed 21844345.